The following is an entry in ClinVar:

ClinVar aggregate classification (germline): Uncertain significance (1 of 4 stars; one submission).

Conditions:
Hereditary cancer-predisposing syndrome. Also called: Neoplastic Syndromes, Hereditary; Hereditary Cancer Syndrome; Tumor predisposition; Hereditary neoplastic syndrome. Identifiers: Orphanet 140162, MedGen C0027672, MeSH D009386, MONDO:0015356.

Submission:

Ambry Genetics
Classification: Uncertain significance for Hereditary cancer-predisposing syndrome. Last evaluated: 2025-02-20. Review status: criteria provided, single submitter. Criteria: Ambry Variant Classification Scheme 2023. Collection method: clinical testing. Allele origin: germline.
Comment: The p.Q180E variant (also known as c.538C>G), located in coding exon 6 of the POLE gene, results from a C to G substitution at nucleotide position 538. The glutamine at codon 180 is replaced by glutamic acid, an amino acid with highly similar properties. This amino acid position is conserved. In addition, this alteration is predicted to be tolerated by in silico analysis. Based on the available evidence, the clinical significance of this variant remains unclear.

NM_006231.4(POLE):c.538C>G (p.Gln180Glu)

Gene: POLE (DNA polymerase epsilon, catalytic subunit; minus strand). Cytogenetic location: 12q24.33.
Variant type: single nucleotide variant.
Coding change: c.538C>G on transcript NM_006231.4 (MANE Select); coding-DNA position 538, C replaced by G.
Protein change: p.Gln180Glu; replaces glutamine 180 with glutamic acid.
Molecular consequence: missense variant.
Genome position (GRCh38, 1-based): chr12:132,679,537, G>C on the plus strand (C>G on the coding strand, the complement: POLE is on the minus strand). VCF-style: chr12-132679537-G-C. GRCh37 (hg19) VCF-style: chr12-133256123-G-C.
Other names: short protein forms Q180E.
Identifiers: ClinVar variation 3781592 (VCV003781592.1).